The following is an entry in ClinVar:

NM_018723.4(RBFOX1):c.622+5G>T

Gene: RBFOX1 (RNA binding fox-1 homolog 1; plus strand). Cytogenetic location: 16p13.3.
Variant type: single nucleotide variant.
Coding change: c.622+5G>T on transcript NM_018723.4 (MANE Select); 5 bases into the intron after coding-DNA position 622, G replaced by T.
Molecular consequence: intron variant.
Genome position (GRCh38, 1-based): chr16:7,597,436, G>T. VCF-style: chr16-7597436-G-T. GRCh37 (hg19) VCF-style: chr16-7647438-G-T.
Other names: c.622+5G>T (NM_001364800.2, NM_001142333.2, NM_001142334.2); c.751+5G>T (NM_001308117.1); c.682+5G>T (NM_145893.3, NM_145891.3, NM_145892.3).
Identifiers: ClinVar variation 2117930 (VCV002117930.4), dbSNP rs2509879358, ClinGen allele CA2580091197.

ClinVar aggregate classification (germline): Uncertain significance (1 of 4 stars; one submission).

Conditions:
Idiopathic generalized epilepsy. Also called: Generalised epilepsy; EIG. Identifiers: MedGen C0270850, MONDO:0005579, OMIM 600669.

Submission:

Labcorp Genetics (formerly Invitae), Labcorp
Classification: Uncertain significance for Idiopathic generalized epilepsy. Last evaluated: 2022-03-26. Review status: criteria provided, single submitter. Criteria: Invitae Variant Classification Sherloc (09022015). Collection method: clinical testing. Allele origin: germline.
Comment: This variant has not been reported in the literature in individuals affected with RBFOX1-related conditions. This variant is not present in population databases (gnomAD no frequency). This sequence change falls in intron 6 of the RBFOX1 gene. It does not directly change the encoded amino acid sequence of the RBFOX1 protein. It affects a nucleotide within the consensus splice site. Variants that disrupt the consensus splice site are a relatively common cause of aberrant splicing (PMID: 17576681, 9536098). Algorithms developed to predict the effect of sequence changes on RNA splicing suggest that this variant may disrupt the consensus splice site. In summary, the available evidence is currently insufficient to determine the role of this variant in disease. Therefore, it has been classified as a Variant of Uncertain Significance.

Literature cited by the submitters: PubMed 17576681; PubMed 9536098.